The following is an entry in ClinVar:

NM_001042492.3(NF1):c.7792G>C (p.Val2598Leu)

Gene: NF1 (neurofibromin 1; plus strand). Cytogenetic location: 17q11.2.
Variant type: single nucleotide variant.
Coding change: c.7792G>C on transcript NM_001042492.3 (MANE Select); coding-DNA position 7792, G replaced by C.
Protein change: p.Val2598Leu; replaces valine 2598 with leucine.
Molecular consequence: missense variant.
Genome position (GRCh38, 1-based): chr17:31,357,013, G>C. VCF-style: chr17-31357013-G-C. GRCh37 (hg19) VCF-style: chr17-29684031-G-C.
Other names: c.7729G>C, p.Val2577Leu (NM_000267.4); short protein forms V2598L, V2577L.
Identifiers: ClinVar variation 2819552 (VCV002819552.3), dbSNP rs2151582315, ClinGen allele CA399018478.

ClinVar aggregate classification (germline): Uncertain significance (1 of 4 stars; one submission).

Conditions:
Neurofibromatosis, type 1 (NF1). Also called: VON RECKLINGHAUSEN DISEASE; Peripheral type neurofibromatosis; Neurofibromatosis, type I; NEUROFIBROMATOSIS, TYPE I, SOMATIC. Identifiers: Orphanet 636, MedGen C0027831, MONDO:0018975, OMIM 162200. Disease mechanism: loss of function.

Submission:

Labcorp Genetics (formerly Invitae), Labcorp
Classification: Uncertain significance for Neurofibromatosis, type 1. Last evaluated: 2022-12-08. Review status: criteria provided, single submitter. Criteria: Invitae Variant Classification Sherloc (09022015). Collection method: clinical testing. Allele origin: germline.
Comment: In summary, the available evidence is currently insufficient to determine the role of this variant in disease. Therefore, it has been classified as a Variant of Uncertain Significance. Advanced modeling of protein sequence and biophysical properties (such as structural, functional, and spatial information, amino acid conservation, physicochemical variation, residue mobility, and thermodynamic stability) performed at Invitae indicates that this missense variant is not expected to disrupt NF1 protein function. This variant has not been reported in the literature in individuals affected with NF1-related conditions. This variant is not present in population databases (gnomAD no frequency). This sequence change replaces valine, which is neutral and non-polar, with leucine, which is neutral and non-polar, at codon 2577 of the NF1 protein (p.Val2577Leu).